The following is an entry in ClinVar:

NM_004369.4(COL6A3):c.601G>C (p.Glu201Gln)

Gene: COL6A3 (collagen type VI alpha 3 chain; minus strand). Cytogenetic location: 2q37.3.
Variant type: single nucleotide variant.
Coding change: c.601G>C on transcript NM_004369.4 (MANE Select); coding-DNA position 601, G replaced by C.
Protein change: p.Glu201Gln; replaces glutamic acid 201 with glutamine.
Molecular consequence: missense variant. On other transcripts: intron variant (4).
Genome position (GRCh38, 1-based): chr2:237,394,695, C>G on the plus strand (G>C on the coding strand, the complement: COL6A3 is on the minus strand). VCF-style: chr2-237394695-C-G. GRCh37 (hg19) VCF-style: chr2-238303338-C-G.
Other names: c.91+2032G>C (NM_057166.5, NM_057167.4, NM_057164.5 and 1 more transcripts); short protein forms E201Q.
Identifiers: ClinVar variation 4539918 (VCV004539918.1).

ClinVar aggregate classification (germline): Uncertain significance (1 of 4 stars; one submission).

Submission:

GeneDx
Classification: Uncertain significance. Last evaluated: 2025-06-27. Review status: criteria provided, single submitter. Criteria: GeneDx Variant Classification Process June 2021. Collection method: clinical testing. Allele origin: germline. Affected: yes.
Comment: Not observed at significant frequency in large population cohorts (gnomAD); In silico analysis suggests that this missense variant does not alter protein structure/function; Has not been previously published as pathogenic or benign to our knowledge